The following is an entry in ClinVar:

NM_001371623.1(TCOF1):c.2257C>T (p.Gln753Ter)

Gene: TCOF1 (treacle ribosome biogenesis factor 1; plus strand). Cytogenetic location: 5q32.
Variant type: single nucleotide variant.
Coding change: c.2257C>T on transcript NM_001371623.1 (MANE Select); coding-DNA position 2257, C replaced by T.
Protein change: p.Gln753Ter; replaces glutamine 753 with a stop codon.
Molecular consequence: nonsense.
Genome position (GRCh38, 1-based): chr5:150,376,537, C>T. VCF-style: chr5-150376537-C-T. GRCh37 (hg19) VCF-style: chr5-149756100-C-T.
Other names: c.2026C>T, p.Gln676Ter (NM_000356.4, NM_001135245.2); c.2257C>T, p.Gln753Ter (NM_001008657.3, NM_001135243.2, NM_001135244.2 and 1 more transcripts); short protein forms Q676*, Q753*.
Identifiers: ClinVar variation 1687307 (VCV001687307.1), dbSNP rs1490116413, ClinGen allele CA361755065.

ClinVar aggregate classification (germline): Pathogenic (1 of 4 stars; one submission).

Conditions:
Treacher Collins syndrome 1 (TCS1). Also called: TCOF1-Related Treacher Collins Syndrome. Identifiers: Orphanet 861, MedGen CN315775, MONDO:0007944, OMIM 154500.

Submission:

3billion
Classification: Pathogenic for Treacher Collins syndrome 1. Last evaluated: 2022-05-22. Review status: criteria provided, single submitter. Criteria: ACMG Guidelines, 2015. Collection method: clinical testing. Allele origin: germline. Affected: yes. Observed: 1 heterozygote.
Comment: The variant is not observed in the gnomAD v2.1.1 dataset. Stop-gained (nonsense): predicted to result in a loss or disruption of normal protein function through nonsense-mediated decay (NMD) or protein truncation. Multiple pathogenic variants are reported downstream of the variant. The variant has been reported to be associated with TCOF1- related disorder (PMID: 12114482). Therefore, this variant is classified as pathogenic according to the recommendation of ACMG/AMP guideline.

Literature cited by the submitters: PubMed 12114482.